The following is an entry in ClinVar:

ClinVar aggregate classification (germline): Benign (1 of 4 stars; one submission).

Allele frequency attached by ClinVar (database versions not stated): gnomAD 0.02560 and 0.02754; TOPMed 0.02902; 1000 Genomes Project 0.03075; 1000 Genomes Project 30x 0.03295.
gnomAD v4.1: 3,860 of 152,136 alleles (2.5%); highest among the groups gnomAD compares: African/African-American, 8.7%; 176 homozygotes.

Submission:

GeneDx
Classification: Benign. Last evaluated: 2018-06-14. Review status: criteria provided, single submitter. Criteria: GeneDx Variant Classification (06012015). Collection method: clinical testing. Allele origin: germline. Affected: yes.
Comment: This variant is considered likely benign or benign based on one or more of the following criteria: it is a conservative change, it occurs at a poorly conserved position in the protein, it is predicted to be benign by multiple in silico algorithms, and/or has population frequency not consistent with disease.

NM_001943.5(DSG2):c.1015-180C>A

Gene: DSG2 (desmoglein 2; plus strand). Cytogenetic location: 18q12.1.
Variant type: single nucleotide variant.
Coding change: c.1015-180C>A on transcript NM_001943.5 (MANE Select); 180 bases into the intron before coding-DNA position 1015, C replaced by A.
Molecular consequence: intron variant.
Genome position (GRCh38, 1-based): chr18:31,530,807, C>A. VCF-style: chr18-31530807-C-A. GRCh37 (hg19) VCF-style: chr18-29110770-C-A.
Identifiers: ClinVar variation 671468 (VCV000671468.1), dbSNP rs58713979, ClinGen allele CA297736570.